The following is an entry in ClinVar:

NM_004415.4(DSP):c.2272G>A (p.Gly758Ser)

Gene: DSP (desmoplakin; plus strand). Cytogenetic location: 6p24.3.
Variant type: single nucleotide variant.
Coding change: c.2272G>A on transcript NM_004415.4 (MANE Select); coding-DNA position 2272, G replaced by A.
Protein change: p.Gly758Ser; replaces glycine 758 with serine.
Molecular consequence: missense variant.
Genome position (GRCh38, 1-based): chr6:7,574,227, G>A. VCF-style: chr6-7574227-G-A. GRCh37 (hg19) VCF-style: chr6-7574460-G-A.
Other names: c.2272G>A, p.Gly758Ser (NM_001008844.3, NM_001319034.2); short protein forms G758S.
Identifiers: ClinVar variation 4790483 (VCV004790483.1).

ClinVar aggregate classification (germline): Uncertain significance (1 of 4 stars; one submission).

Conditions:
Arrhythmogenic cardiomyopathy with wooly hair and keratoderma. Also called: PALMOPLANTAR KERATODERMA WITH LEFT VENTRICULAR CARDIOMYOPATHY AND WOOLLY HAIR; Carvajal syndrome; Dilated cardiomyopathy with woolly hair and keratoderma; Arrhythmogenic cardiomyopathy with woolly hair and keratoderma. Identifiers: Orphanet 65282, MedGen C1854063, MONDO:0011581, OMIM 605676.
Arrhythmogenic right ventricular dysplasia 8 (ARVD8). Also called: Arrhythmogenic Right Ventricular Dysplasia/Cardiomyopathy 8; ARRHYTHMOGENIC RIGHT VENTRICULAR DYSPLASIA, FAMILIAL, 8; ARRHYTHMOGENIC RIGHT VENTRICULAR CARDIOMYOPATHY 8. Identifiers: MedGen C1843896, MONDO:0011831, OMIM 607450.

gnomAD v4.1: 2 of 1,613,862 alleles (0.00012%); highest among the groups gnomAD compares: Non-Finnish European, 0.00017%; no homozygotes.

Submission:

Labcorp Genetics (formerly Invitae), Labcorp
Classification: Uncertain significance for Arrhythmogenic cardiomyopathy with wooly hair and keratoderma; Arrhythmogenic right ventricular dysplasia 8. Last evaluated: 2025-11-09. Review status: criteria provided, single submitter. Criteria: Invitae Variant Classification Sherloc (09022015). Collection method: clinical testing. Allele origin: germline.
Comment: This sequence change replaces glycine, which is neutral and non-polar, with serine, which is neutral and polar, at codon 758 of the DSP protein (p.Gly758Ser). This variant is not present in population databases (gnomAD no frequency). This variant has not been reported in the literature in individuals affected with DSP-related conditions. An algorithm developed to predict the effect of missense changes on protein structure and function (PolyPhen-2) suggests that this variant is likely to be disruptive. In summary, the available evidence is currently insufficient to determine the role of this variant in disease. Therefore, it has been classified as a Variant of Uncertain Significance.